The following is an entry in ClinVar:

NM_004565.3(PEX14):c.709A>G (p.Lys237Glu)

Gene: PEX14 (peroxisomal biogenesis factor 14; plus strand). Cytogenetic location: 1p36.22.
Variant type: single nucleotide variant.
Coding change: c.709A>G on transcript NM_004565.3 (MANE Select); coding-DNA position 709, A replaced by G.
Protein change: p.Lys237Glu; replaces lysine 237 with glutamic acid.
Molecular consequence: missense variant.
Genome position (GRCh38, 1-based): chr1:10,629,562, A>G. VCF-style: chr1-10629562-A-G. GRCh37 (hg19) VCF-style: chr1-10689619-A-G.
Other names: short protein forms K237E.
Identifiers: ClinVar variation 2111995 (VCV002111995.4), dbSNP rs2521924076, ClinGen allele CA338338170.

ClinVar aggregate classification (germline): Uncertain significance (1 of 4 stars; one submission).

Conditions:
Peroxisome biogenesis disorder, complementation group K (CGK). Identifiers: MedGen C1866257, MONDO:0800365.

Submission:

Labcorp Genetics (formerly Invitae), Labcorp
Classification: Uncertain significance for Peroxisome biogenesis disorder, complementation group K. Last evaluated: 2022-03-14. Review status: criteria provided, single submitter. Criteria: Invitae Variant Classification Sherloc (09022015). Collection method: clinical testing. Allele origin: germline.
Comment: This sequence change replaces lysine, which is basic and polar, with glutamic acid, which is acidic and polar, at codon 237 of the PEX14 protein (p.Lys237Glu). This variant is not present in population databases (gnomAD no frequency). This variant has not been reported in the literature in individuals affected with PEX14-related conditions. Algorithms developed to predict the effect of missense changes on protein structure and function are either unavailable or do not agree on the potential impact of this missense change (SIFT: "Tolerated"; PolyPhen-2: "Possibly Damaging"; Align-GVGD: "Class C0"). In summary, the available evidence is currently insufficient to determine the role of this variant in disease. Therefore, it has been classified as a Variant of Uncertain Significance.